The following is an entry in ClinVar:

NM_014889.4(PITRM1):c.2767T>G (p.Tyr923Asp)

Gene: PITRM1 (pitrilysin metallopeptidase 1; minus strand). Cytogenetic location: 10p15.2.
Variant type: single nucleotide variant.
Coding change: c.2767T>G on transcript NM_014889.4 (MANE Select); coding-DNA position 2767, T replaced by G.
Protein change: p.Tyr923Asp; replaces tyrosine 923 with aspartic acid.
Molecular consequence: missense variant. On other transcripts: non-coding transcript variant (4).
Genome position (GRCh38, 1-based): chr10:3,140,691, A>C on the plus strand (T>G on the coding strand, the complement: PITRM1 is on the minus strand). VCF-style: chr10-3140691-A-C. GRCh37 (hg19) VCF-style: chr10-3182883-A-C.
Other names: c.2770T>G, p.Tyr924Asp (NM_001242307.2); c.2473T>G, p.Tyr825Asp (NM_001242309.1); c.2569T>G, p.Tyr857Asp (NM_001347725.2); c.1954T>G, p.Tyr652Asp (NM_001347726.2); c.2152T>G, p.Tyr718Asp (NM_001347727.2); c.1462T>G, p.Tyr488Asp (NM_001347728.2); c.2743T>G, p.Tyr915Asp (NM_001347729.1); c.2545T>G, p.Tyr849Asp (NM_001347730.1); short protein forms Y488D, Y652D, Y849D, Y924D, Y825D, Y915D, Y718D, Y857D.
Identifiers: ClinVar variation 2205159 (VCV002205159.3), dbSNP rs543675507, ClinGen allele CA5387242.
Genomic context (GRCh38, chr10:3,140,691, plus strand): 5'-AGTAGAAGACTAAAACGACGTGTGCATCCCAATGTGTGAACTAGAGCAAAACTCACCTGT[A>C]AGAGTAAAGGGTGAAAATCCCATTGTGGCTGAGTTTTGCGCCTCCACCATAAGCACCGCC-3'
Protein context (NP_055704.2, residues 913-933): SHNGIFTLYS[Tyr923Asp]RDPNTIETLQ

ClinVar aggregate classification (germline): Conflicting classifications of pathogenicity. Review status: criteria provided, conflicting classifications (1 of 4 stars). 2 submissions from 2 submitters: Uncertain significance (1); Likely benign (1). Last evaluated 2026-04-27.

Conditions:
Spinocerebellar ataxia, autosomal recessive 30. Identifiers: MedGen C5543620, MONDO:0030318, OMIM 619405.

Allele frequency attached by ClinVar (database versions not stated): gnomAD 0.00003; ExAC 0.00017; 1000 Genomes Project 30x 0.00031; 1000 Genomes Project 0.00040.
gnomAD v4.1: 70 of 1,599,148 alleles (0.0044%); highest among the groups gnomAD compares: South Asian, 0.079%; no homozygotes.

Submissions (2):

Centre for Medical Genetics,  Mumbai
Classification: Likely benign for Spinocerebellar ataxia, autosomal recessive 30. Last evaluated: 2026-04-27. Review status: criteria provided, single submitter. Criteria: ACMG Guidelines, 2015. Collection method: provider interpretation. Allele origin: germline. Inheritance: Autosomal recessive inheritance. Affected: no. Observed: 1 variant allele, 1 homozygote.
Comment: The variant satisfies PM2 criteria - extremely low frequency in gnomAD population databases. The variant satisfies PP3 criteria - for a missense or a splicing region variant, computational prediction tools unanimously support a deleterious effect on the gene. However, the variant satisfies BS2 criteria - present in homozygous state in an individual that clinically does not have Spinocerebellar ataxia, autosomal recessive 30

Ambry Genetics
Classification: Uncertain significance. Last evaluated: 2021-09-17. Review status: criteria provided, single submitter. Criteria: Ambry Variant Classification Scheme 2023. Collection method: clinical testing. Allele origin: germline.

Literature cited by the submitters: PubMed 26697887 (cited by Centre for Medical Genetics,  Mumbai).